The following is an entry in ClinVar:

ClinVar aggregate classification (germline): Uncertain significance (1 of 4 stars; one submission).

Conditions:
Fanconi anemia (FA). Also called: Fanconi's anemia. Identifiers: Orphanet 84, MedGen C0015625, MeSH D005199, MONDO:0019391.

gnomAD v4.1: 2 of 1,607,470 alleles (0.00012%); highest among the groups gnomAD compares: Non-Finnish European, 0.00017%; no homozygotes.

Submission:

Labcorp Genetics (formerly Invitae), Labcorp
Classification: Uncertain significance for Fanconi anemia. Last evaluated: 2024-08-15. Review status: criteria provided, single submitter. Criteria: Invitae Variant Classification Sherloc (09022015). Collection method: clinical testing. Allele origin: germline.
Comment: This sequence change falls in intron 40 of the FANCD2 gene. It does not directly change the encoded amino acid sequence of the FANCD2 protein. This variant is present in population databases (rs776010397, gnomAD 0.0009%). This variant has not been reported in the literature in individuals affected with FANCD2-related conditions. Algorithms developed to predict the effect of sequence changes on RNA splicing suggest that this variant may disrupt the consensus splice site. In summary, the available evidence is currently insufficient to determine the role of this variant in disease. Therefore, it has been classified as a Variant of Uncertain Significance.

NM_001018115.3(FANCD2):c.3964-13T>G

Genes: FANCD2 (FA complementation group D2; plus strand), FANCD2OS (FANCD2 opposite strand; minus strand). Cytogenetic location: 3p25.3.
Variant type: single nucleotide variant.
Coding change: c.3964-13T>G on transcript NM_001018115.3 (MANE Select); 13 bases into the intron before coding-DNA position 3964, T replaced by G.
Molecular consequence: intron variant.
Genome position (GRCh38, 1-based): chr3:10,095,187, T>G. VCF-style: chr3-10095187-T-G. GRCh37 (hg19) VCF-style: chr3-10136871-T-G.
Other names: c.3964-13T>G (NM_001319984.2, NM_033084.6); c.3853-13T>G (NM_001374253.1); c.3925-13T>G (NM_001374254.1); c.*43+9011A>C (NM_173472.2).
Identifiers: ClinVar variation 3707981 (VCV003707981.1).